The following is an entry in ClinVar:

NM_002691.4(POLD1):c.3311C>T (p.Pro1104Leu)

Gene: POLD1 (DNA polymerase delta 1, catalytic subunit; plus strand). Cytogenetic location: 19q13.33.
Variant type: single nucleotide variant.
Coding change: c.3311C>T on transcript NM_002691.4 (MANE Select); coding-DNA position 3311, C replaced by T.
Protein change: p.Pro1104Leu; replaces proline 1104 with leucine.
Molecular consequence: missense variant. On other transcripts: non-coding transcript variant (1).
Genome position (GRCh38, 1-based): chr19:50,417,934, C>T. VCF-style: chr19-50417934-C-T. GRCh37 (hg19) VCF-style: chr19-50921191-C-T.
Other names: c.3311C>T (NM_002691.2); c.3311C>T, p.Pro1104Leu (NM_001256849.1); c.3389C>T, p.Pro1130Leu (NM_001308632.1); short protein forms P1104L, P1130L.
Identifiers: ClinVar variation 858628 (VCV000858628.12), dbSNP rs1198421459, ClinGen allele CA406987888.
Genomic context (GRCh38, chr19:50,417,934, plus strand): 5'-AGGTGCGGAAGGACCTGGAAGACCAGGAGCAGCTCCTGCGGCGCTTCGGACCCCCTGGAC[C>T]TGAGGCCTGGTGACCTTGCAAGCATCCCATGGGGCGGGGGCGGGACCAGGGAGAATTAAT-3'
Protein context (NP_002682.2, residues 1094-1107): QLLRRFGPPG[Pro1104Leu]EAW

ClinVar aggregate classification (germline): Uncertain significance. Review status: criteria provided, multiple submitters, no conflicts (2 of 4 stars). 2 submissions from 2 submitters: Uncertain significance (2). Last evaluated 2024-08-24.

Conditions:
POLD1-related polyposis and colorectal cancer syndrome (CRCS10). Also called: Colorectal cancer 10; COLORECTAL CANCER, SUSCEPTIBILITY TO, ON CHROMOSOME 19q; Colorectal cancer, susceptibility to, 10. Identifiers: Orphanet 220460, MedGen C2675481, MONDO:0012953, OMIM 612591.
Hereditary cancer-predisposing syndrome. Also called: Tumor predisposition; Hereditary Cancer Syndrome; Hereditary neoplastic syndrome; Neoplastic Syndromes, Hereditary. Identifiers: Orphanet 140162, MedGen C0027672, MeSH D009386, MONDO:0015356.

gnomAD v4.1: 1 of 1,606,788 alleles (0.000062%); highest among the groups gnomAD compares: African/African-American, 0.0013%; no homozygotes.

Submissions (2):

Ambry Genetics
Classification: Uncertain significance for Hereditary cancer-predisposing syndrome. Last evaluated: 2024-08-24. Review status: criteria provided, single submitter. Criteria: Ambry Variant Classification Scheme 2023. Collection method: clinical testing. Allele origin: germline.
Comment: The p.P1104L variant (also known as c.3311C>T), located in coding exon 26 of the POLD1 gene, results from a C to T substitution at nucleotide position 3311. The proline at codon 1104 is replaced by leucine, an amino acid with similar properties. This amino acid position is conserved. In addition, this alteration is predicted to be tolerated by in silico analysis. Based on the available evidence, the clinical significance of this variant remains unclear.

Labcorp Genetics (formerly Invitae), Labcorp
Classification: Uncertain significance for POLD1-related polyposis and colorectal cancer syndrome. Last evaluated: 2024-07-04. Review status: criteria provided, single submitter. Criteria: Invitae Variant Classification Sherloc (09022015). Collection method: clinical testing. Allele origin: germline.
Comment: This sequence change replaces proline, which is neutral and non-polar, with leucine, which is neutral and non-polar, at codon 1104 of the POLD1 protein (p.Pro1104Leu). This variant is not present in population databases (gnomAD no frequency). This variant has not been reported in the literature in individuals affected with POLD1-related conditions. ClinVar contains an entry for this variant (Variation ID: 858628). An algorithm developed to predict the effect of missense changes on protein structure and function (PolyPhen-2) suggests that this variant is likely to be tolerated. In summary, the available evidence is currently insufficient to determine the role of this variant in disease. Therefore, it has been classified as a Variant of Uncertain Significance.